The following is an entry in ClinVar:

ClinVar aggregate classification (germline): Benign. Review status: criteria provided, multiple submitters, no conflicts (2 of 4 stars). 5 submissions from 5 submitters: Benign (4). 1 of the submissions does not count toward it. Last evaluated 2026-01-02.

Conditions:
Leukoencephalopathy-thalamus and brainstem anomalies-high lactate syndrome. Also called: LEUKOENCEPHALOPATHY WITH THALAMUS AND BRAINSTEM INVOLVEMENT AND HIGH LACTATE; Combined oxidative phosphorylation deficiency 12. Identifiers: Orphanet 314051, MedGen C4706421, MONDO:0013971, OMIM 614924.

Allele frequency attached by ClinVar (database versions not stated): ExAC 0.00218; ESP Exome Variant Server 0.00570; gnomAD 0.00584 and 0.00624; TOPMed 0.00653; 1000 Genomes Project 0.00659; 1000 Genomes Project 30x 0.00671.

Submissions (5):

Labcorp Genetics (formerly Invitae), Labcorp
Classification: Benign. Last evaluated: 2026-01-02. Review status: criteria provided, single submitter. Criteria: Invitae Variant Classification Sherloc (09022015). Collection method: clinical testing. Allele origin: germline.

Illumina Laboratory Services, Illumina
Classification: Benign for Leukoencephalopathy-thalamus and brainstem anomalies-high lactate syndrome. Last evaluated: 2018-01-13. Review status: criteria provided, single submitter. Criteria: ICSL Variant Classification Criteria 13 December 2019. Collection method: clinical testing. Allele origin: germline.
Comment: This variant was observed in the ICSL laboratory as part of a predisposition screen in an ostensibly healthy population. It had not been previously curated by ICSL or reported in the Human Gene Mutation Database (HGMD: prior to June 1st, 2018), and was therefore a candidate for classification through an automated scoring system. Utilizing variant allele frequency, disease prevalence and penetrance estimates, and inheritance mode, an automated score was calculated to assess if this variant is too frequent to cause the disease. Based on the score and internal cut-off values, a variant classified as benign is not then subjected to further curation. The score for this variant resulted in a classification of benign for this disease.

GeneDx
Classification: Benign. Last evaluated: 2015-09-01. Review status: criteria provided, single submitter. Criteria: GeneDx Variant Classification (06012015). Collection method: clinical testing. Allele origin: germline. Affected: yes.
Comment: This variant is considered likely benign or benign based on one or more of the following criteria: it is a conservative change, it occurs at a poorly conserved position in the protein, it is predicted to be benign by multiple in silico algorithms, and/or has population frequency not consistent with disease.

Breakthrough Genomics
Classification: Benign. Review status: criteria provided, single submitter. Criteria: ACMG Guidelines, 2015. Collection method: not provided. Allele origin: germline. Inheritance: Autosomal recessive inheritance. Affected: yes.

Mayo Clinic Laboratories, Mayo Clinic
Classification: Likely benign. Last evaluated: 2017-09-15. Review status: no assertion criteria provided. Collection method: clinical testing. Allele origin: unknown. Not counted in ClinVar's aggregate classification.

NM_001083614.2(EARS2):c.402C>T (p.Thr134=)

Gene: EARS2 (glutamyl-tRNA synthetase 2, mitochondrial; minus strand). Cytogenetic location: 16p12.2.
Variant type: single nucleotide variant.
Coding change: c.402C>T on transcript NM_001083614.2 (MANE Select); coding-DNA position 402, C replaced by T.
Protein change: p.Thr134=; no amino-acid change (threonine 134 retained).
Molecular consequence: synonymous variant. On other transcripts: non-coding transcript variant (1).
Genome position (GRCh38, 1-based): chr16:23,544,597, G>A on the plus strand (C>T on the coding strand, the complement: EARS2 is on the minus strand). VCF-style: chr16-23544597-G-A. GRCh37 (hg19) VCF-style: chr16-23555918-G-A.
Other names: c.402C>T, p.Thr134= (NM_001308211.1).
Identifiers: ClinVar variation 380295 (VCV000380295.19), dbSNP rs116657756, ClinGen allele CA7962601.